The following is an entry in ClinVar:

ClinVar aggregate classification (germline): Uncertain significance. Review status: criteria provided, multiple submitters, no conflicts (2 of 4 stars). 3 submissions from 3 submitters: Uncertain significance (3). Last evaluated 2026-01-21.

Conditions:
Inborn genetic diseases. Identifiers: MedGen C0950123, MeSH D030342.
Tatton-Brown-Rahman overgrowth syndrome. Also called: Tall stature-intellectual disability-facial dysmorphism syndrome; Tatton-Brown-Rahman syndrome. Identifiers: Orphanet 404443, MedGen C4014545, MONDO:0014382, OMIM 615879.
DNMT3A-related disorder. Also called: DNMT3A-related disorders; DNMT3A-related condition.

Allele frequency attached by ClinVar (database versions not stated): ExAC 0.00001; TOPMed 0.00001.

Submissions (3):

PreventionGenetics, part of Exact Sciences
Classification: Uncertain significance for DNMT3A-related condition. Last evaluated: 2026-01-21. Review status: criteria provided, single submitter. Criteria: ACMG Guidelines, 2015. Collection method: clinical testing. Allele origin: germline.
Comment: The DNMT3A c.1469T>C variant is predicted to result in the amino acid substitution p.Ile490Thr. To our knowledge, this variant has not been reported in the literature. This variant is reported in 0.00088% of alleles in individuals of European (Non-Finnish) descent in gnomAD. At this time, the clinical significance of this variant is uncertain due to the absence of conclusive functional and genetic evidence.

Labcorp Genetics (formerly Invitae), Labcorp
Classification: Uncertain significance for Tatton-Brown-Rahman overgrowth syndrome. Last evaluated: 2025-07-30. Review status: criteria provided, single submitter. Criteria: Invitae Variant Classification Sherloc (09022015). Collection method: clinical testing. Allele origin: germline.
Comment: This sequence change replaces isoleucine, which is neutral and non-polar, with threonine, which is neutral and polar, at codon 490 of the DNMT3A protein (p.Ile490Thr). This variant is present in population databases (rs757283738, gnomAD 0.0009%). This variant has not been reported in the literature in individuals affected with DNMT3A-related conditions. ClinVar contains an entry for this variant (Variation ID: 2636114). Invitae Evidence Modeling of protein sequence and biophysical properties (such as structural, functional, and spatial information, amino acid conservation, physicochemical variation, residue mobility, and thermodynamic stability) indicates that this missense variant is expected to disrupt DNMT3A protein function with a positive predictive value of 95%. In summary, the available evidence is currently insufficient to determine the role of this variant in disease. Therefore, it has been classified as a Variant of Uncertain Significance.

Ambry Genetics
Classification: Uncertain significance for Inborn genetic diseases. Last evaluated: 2024-12-22. Review status: criteria provided, single submitter. Criteria: Ambry Variant Classification Scheme 2023. Collection method: clinical testing. Allele origin: germline.
Comment: The p.I490T variant (also known as c.1469T>C), located in coding exon 11 of the DNMT3A gene, results from a T to C substitution at nucleotide position 1469. The isoleucine at codon 490 is replaced by threonine, an amino acid with similar properties. This amino acid position is conserved. In addition, the in silico prediction for this alteration is inconclusive. Based on the available evidence, the clinical significance of this variant remains unclear.

NM_022552.5(DNMT3A):c.1469T>C (p.Ile490Thr)

Gene: DNMT3A (DNA methyltransferase 3 alpha; minus strand). Cytogenetic location: 2p23.3.
Variant type: single nucleotide variant.
Coding change: c.1469T>C on transcript NM_022552.5 (MANE Select); coding-DNA position 1469, T replaced by C.
Protein change: p.Ile490Thr; replaces isoleucine 490 with threonine.
Molecular consequence: missense variant. On other transcripts: non-coding transcript variant (1).
Genome position (GRCh38, 1-based): chr2:25,246,025, A>G on the plus strand (T>C on the coding strand, the complement: DNMT3A is on the minus strand). VCF-style: chr2-25246025-A-G. GRCh37 (hg19) VCF-style: chr2-25468894-A-G.
Other names: c.1013T>C, p.Ile338Thr (NM_001320893.1); c.800T>C, p.Ile267Thr (NM_001375819.1); c.902T>C, p.Ile301Thr (NM_153759.3); c.1469T>C, p.Ile490Thr (NM_175629.2); c.1469T>C (NM_022552.3); short protein forms I267T, I301T, I338T, I490T.
Identifiers: ClinVar variation 2636114 (VCV002636114.5), dbSNP rs757283738, ClinGen allele CA1556002.
Genomic context (GRCh38, chr2:25,246,025, plus strand): 5'-CTACTCTGCCCCATGCCACACTAGGAGTGCCAGAGTTCCCAGGCAACAAACTTACCCTCA[A>G]TGTTCCGGCACTTCTGCCGCACCTCGTACACCAGCCGCTCTGCAAGGGGAGGAGAGCTGG-3'
Protein context (NP_072046.2, residues 480-500): VYEVRQKCRN[Ile490Thr]EDICISCGSL